The following is an entry in ClinVar:

ClinVar aggregate classification (germline): Uncertain significance (1 of 4 stars; one submission).

Conditions:
Hereditary diffuse gastric adenocarcinoma (HDGC). Also called: DIFFUSE GASTRIC AND LOBULAR BREAST CANCER SYNDROME. Identifiers: Orphanet 26106, MedGen C1708349, MONDO:0007648, OMIM 137215.

Submission:

Labcorp Genetics (formerly Invitae), Labcorp
Classification: Uncertain significance for Hereditary diffuse gastric adenocarcinoma. Last evaluated: 2022-09-06. Review status: criteria provided, single submitter. Criteria: Invitae Variant Classification Sherloc (09022015). Collection method: clinical testing. Allele origin: germline.
Comment: This variant is not present in population databases (gnomAD no frequency). This sequence change replaces alanine, which is neutral and non-polar, with proline, which is neutral and non-polar, at codon 361 of the CDH1 protein (p.Ala361Pro). This variant has not been reported in the literature in individuals affected with CDH1-related conditions. In summary, the available evidence is currently insufficient to determine the role of this variant in disease. Therefore, it has been classified as a Variant of Uncertain Significance. Algorithms developed to predict the effect of missense changes on protein structure and function are either unavailable or do not agree on the potential impact of this missense change (SIFT: "Deleterious"; PolyPhen-2: "Probably Damaging"; Align-GVGD: "Class C0").

NM_004360.5(CDH1):c.1081G>C (p.Ala361Pro)

Gene: CDH1 (cadherin 1; plus strand). Cytogenetic location: 16q22.1.
Variant type: single nucleotide variant.
Coding change: c.1081G>C on transcript NM_004360.5 (MANE Select); coding-DNA position 1081, G replaced by C.
Protein change: p.Ala361Pro; replaces alanine 361 with proline.
Molecular consequence: missense variant. On other transcripts: 5 prime UTR variant (2).
Genome position (GRCh38, 1-based): chr16:68,812,207, G>C. VCF-style: chr16-68812207-G-C. GRCh37 (hg19) VCF-style: chr16-68846110-G-C.
Other names: c.1081G>C, p.Ala361Pro (NM_001317184.2); c.-535G>C (NM_001317185.2); c.-739G>C (NM_001317186.2); short protein forms A361P.
Identifiers: ClinVar variation 1718962 (VCV001718962.6), dbSNP rs2152132621, ClinGen allele CA396460068.
Genomic context (GRCh38, chr16:68,812,207, plus strand): 5'-TATACCCTGGTGGTTCAAGCTGCTGACCTTCAAGGTGAGGGGTTAAGCACAACAGCAACA[G>C]CTGTGATCACAGTCACTGACACCAACGATAATCCTCCGATCTTCAATCCCACCACGGTAA-3'
Protein context (NP_004351.1, residues 351-371): QGEGLSTTAT[Ala361Pro]VITVTDTNDN